The following is an entry in ClinVar:

NM_003476.5(CSRP3):c.396G>C (p.Lys132Asn)

Gene: CSRP3 (cysteine and glycine rich protein 3; minus strand). Cytogenetic location: 11p15.1.
Variant type: single nucleotide variant.
Coding change: c.396G>C on transcript NM_003476.5 (MANE Select); coding-DNA position 396, G replaced by C.
Protein change: p.Lys132Asn; replaces lysine 132 with asparagine.
Molecular consequence: missense variant.
Genome position (GRCh38, 1-based): chr11:19,186,234, C>G on the plus strand (G>C on the coding strand, the complement: CSRP3 is on the minus strand). VCF-style: chr11-19186234-C-G. GRCh37 (hg19) VCF-style: chr11-19207781-C-G.
Other names: c.227G>C, p.Arg76Thr (NM_001369404.1); short protein forms K132N, R76T.
Identifiers: ClinVar variation 3763082 (VCV003763082.2).

ClinVar aggregate classification (germline): Uncertain significance (1 of 4 stars; one submission).

Conditions:
Dilated cardiomyopathy 1M (CMD1M). Identifiers: Orphanet 154, MedGen C1843808, MONDO:0011840, OMIM 607482.
Hypertrophic cardiomyopathy 12. Identifiers: MedGen C2677491, MONDO:0012804, OMIM 612124.

gnomAD v4.1: 12 of 1,614,206 alleles (0.00074%); highest among the groups gnomAD compares: Non-Finnish European, 0.001%; no homozygotes.

Submission:

Labcorp Genetics (formerly Invitae), Labcorp
Classification: Uncertain significance for Hypertrophic cardiomyopathy 12; Dilated cardiomyopathy 1M. Last evaluated: 2024-12-23. Review status: criteria provided, single submitter. Criteria: Invitae Variant Classification Sherloc (09022015). Collection method: clinical testing. Allele origin: germline.
Comment: This sequence change replaces lysine, which is basic and polar, with asparagine, which is neutral and polar, at codon 132 of the CSRP3 protein (p.Lys132Asn). This variant is present in population databases (no rsID available, gnomAD 0.0009%). This variant has not been reported in the literature in individuals affected with CSRP3-related conditions. An algorithm developed to predict the effect of missense changes on protein structure and function (PolyPhen-2) suggests that this variant is likely to be disruptive. In summary, the available evidence is currently insufficient to determine the role of this variant in disease. Therefore, it has been classified as a Variant of Uncertain Significance.